The following is an entry in ClinVar:

ClinVar aggregate classification (germline): Uncertain significance (1 of 4 stars; one submission).

Conditions:
Hereditary cancer-predisposing syndrome. Also called: Tumor predisposition; Neoplastic Syndromes, Hereditary; Hereditary Cancer Syndrome; Hereditary neoplastic syndrome. Identifiers: Orphanet 140162, MedGen C0027672, MeSH D009386, MONDO:0015356.

Submission:

Ambry Genetics
Classification: Uncertain significance for Hereditary cancer-predisposing syndrome. Last evaluated: 2025-01-25. Review status: criteria provided, single submitter. Criteria: Ambry Variant Classification Scheme 2023. Collection method: clinical testing. Allele origin: germline.
Comment: The p.D695V variant (also known as c.2084A>T), located in coding exon 19 of the MRE11A gene, results from an A to T substitution at nucleotide position 2084. The aspartic acid at codon 695 is replaced by valine, an amino acid with highly dissimilar properties. This amino acid position is conserved. In addition, the in silico prediction for this alteration is inconclusive. Based on the available evidence, the clinical significance of this variant remains unclear.

NM_005591.4(MRE11):c.2084A>T (p.Asp695Val)

Gene: MRE11 (MRE11 double strand break repair nuclease; minus strand). Cytogenetic location: 11q21.
Variant type: single nucleotide variant.
Coding change: c.2084A>T on transcript NM_005591.4 (MANE Select); coding-DNA position 2084, A replaced by T.
Protein change: p.Asp695Val; replaces aspartic acid 695 with valine.
Molecular consequence: missense variant.
Genome position (GRCh38, 1-based): chr11:94,420,168, T>A on the plus strand (A>T on the coding strand, the complement: MRE11 is on the minus strand). VCF-style: chr11-94420168-T-A. GRCh37 (hg19) VCF-style: chr11-94153334-T-A.
Other names: c.2081A>T, p.Asp694Val (NM_001330347.2); c.2000A>T, p.Asp667Val (NM_005590.4); short protein forms D667V, D694V, D695V.
Identifiers: ClinVar variation 3874332 (VCV003874332.1).
Genomic context (GRCh38, chr11:94,420,168, plus strand): 5'-CAGTGCCATTAAATATATTATCTTCTATTTCTTCTTAAAGAACTAGTGTTCATAAAAGGA[T>A]CATCATCATCATCCTGAAATGAGATACAAATGTTGTATTAGTGATTGTTCCCTGCTTCAC-3'
Protein context (NP_005582.1, residues 685-705): DFESSEDDDD[Asp695Val]PFMNTSSLRR